The following is an entry in ClinVar:

ClinVar aggregate classification (germline): Conflicting classifications of pathogenicity. Review status: criteria provided, conflicting classifications (1 of 4 stars). 12 submissions from 10 submitters: Likely pathogenic (1); Uncertain significance (4); Benign (1); Likely benign (3). 3 of the submissions do not count toward it. Last evaluated 2025-12-11.

Conditions:
SLC4A1-related disorder. Also called: SLC4A1-related disorders; SLC4A1-related condition.
Hereditary spherocytosis type 4. Also called: SLC4A1-Related Spherocytosis. Identifiers: Orphanet 822, MedGen C2675212, MONDO:0012981, OMIM 612653.
Autosomal dominant distal renal tubular acidosis (DRTA1). Also called: RTA, CLASSIC TYPE; RTA, DISTAL TYPE, AUTOSOMAL DOMINANT; RTA, GRADIENT TYPE; RENAL TUBULAR ACIDOSIS, DISTAL, 1; Renal Tubular Acidosis, Type I. Identifiers: Orphanet 93608, MedGen CN280572, MONDO:0008368, OMIM 179800.
Hemolytic anemia. Identifiers: MedGen C0002878, MONDO:0003664, HP:0001878.
Reclassified - variant of unknown significance.
Acanthocytosis. Identifiers: Orphanet 98366, MedGen C0687751, HP:0001927.

Allele frequency attached by ClinVar (database versions not stated): gnomAD exomes 0.00086 and 0.00040; TOPMed 0.00054; 1000 Genomes Project 30x 0.00016; 1000 Genomes Project 0.00020; gnomAD 0.00050 and 0.00051; ExAC 0.00071.
gnomAD v4.1: 720 of 1,613,844 alleles (0.045%); highest among the groups gnomAD compares: Non-Finnish European, 0.0096%; 4 homozygotes.

Submissions (12):

Labcorp Genetics (formerly Invitae), Labcorp
Classification: Benign. Last evaluated: 2025-12-11. Review status: criteria provided, single submitter. Criteria: Invitae Variant Classification Sherloc (09022015). Collection method: clinical testing. Allele origin: germline.

Mayo Clinic Laboratories, Mayo Clinic
Classification: Likely pathogenic. Last evaluated: 2025-11-19. Review status: criteria provided, single submitter. Criteria: ACMG Guidelines, 2015. Collection method: clinical testing. Allele origin: germline. Observed: 4 variant alleles.
Comment: SLC4A1 c.2603C>T (p.Pro868Leu): The heterozygous c.2603C>T (p.Pro868Leu) missense variant in the SLC4A1 gene (MIM:109270) is classified as likely pathogenic for autosomal recessive acanthocytosis. SLC4A1 c.2603C>T, p.(Pro868Leu) encodes for Band 3, a protein in the red blood cell membrane involved in the exchange transport of anions across the cell membrane. This alteration is associated with a significant increase in anion transport and is a known cause of abnormally shaped red blood cells known as acanthocytes when the alteration is homozygous (PMID: 2829189, 8343110). Homozygotes are reported to have 21-25% acanthocytes and heterozygotes are observed to have minimal acanothocytes (PMID: 2829189). The alteration does not impair or shorten red cell survival and is not known to produce hemolytic anemia or a disease phenotype in either the heterozygous or homozygous state (PMID: 2829189, 8343110). This variant is predicted to result in an amino acid substitution. An in silico meta-predictor suggests that this amino acid change may impact protein function. Based on the available information, this variant is interpreted as likely pathogenic in the setting of autosomal recessive acanthocytosis.

Women's Health and Genetics/Laboratory Corporation of America, LabCorp
Classification: Likely benign. Last evaluated: 2025-04-28. Review status: criteria provided, single submitter. Criteria: LabCorp Variant Classification Summary - May 2015. Collection method: clinical testing. Allele origin: germline.
Comment: Variant summary: SLC4A1 c.2603C>T (p.Pro868Leu) results in a non-conservative amino acid change in the encoded protein sequence. Four of five in-silico tools predict a damaging effect of the variant on protein function. The variant allele was found at a frequency of 0.00086 in 249496 control chromosomes, predominantly at a frequency of 0.018 within the Ashkenazi Jewish subpopulation in the gnomAD database, including 2 homozygotes. The observed variant frequency within Ashkenazi Jewish control individuals in the gnomAD database exceeds the estimated maximal expected allele frequency for a pathogenic variant in SLC4A1 causing SLC4A1-Related Disorders phenotype. c.2603C>T has been observed in at least one individual affected with acanthocytosis (Bruce_1993). However, this report does not provide unequivocal conclusions about association of the variant with SLC4A1-Related Disorders. To our knowledge, no experimental evidence demonstrating an impact on protein function has been reported. The following publication has been ascertained in the context of this evaluation (PMID: 8343110). ClinVar contains an entry for this variant (Variation ID: 17783). Based on the evidence outlined above, the variant was classified as likely benign.

GeneDx
Classification: Uncertain significance. Last evaluated: 2024-12-05. Review status: criteria provided, single submitter. Criteria: GeneDx Variant Classification Process June 2021. Collection method: clinical testing. Allele origin: germline. Affected: yes.
Comment: Reported in the homozygous state in a patient with acanthocytosis in published literature (PMID: 8343110); In silico analysis supports that this missense variant has a deleterious effect on protein structure/function; This variant is associated with the following publications: (PMID: 25333069, 31589614, 29167180, Nair2019[Abstract], 8343110, 34669510, 30487145)

ARUP Laboratories, Molecular Genetics and Genomics, ARUP Laboratories
Classification: Likely benign. Last evaluated: 2023-11-02. Review status: criteria provided, single submitter. Criteria: ARUP Molecular Germline Variant Investigation Process 2024. Collection method: clinical testing. Allele origin: germline.

Mendelics
Classification: Uncertain significance. Last evaluated: 2022-05-04. Review status: criteria provided, single submitter. Criteria: Mendelics Assertion Criteria 2019. Collection method: clinical testing. Allele origin: germline.

Illumina Laboratory Services, Illumina
Classification: Uncertain significance for Hereditary spherocytosis type 4. Last evaluated: 2017-04-27. Review status: criteria provided, single submitter. Criteria: ICSL Variant Classification Criteria 13 December 2019. Collection method: clinical testing. Allele origin: germline.

Illumina Laboratory Services, Illumina
Classification: Uncertain significance for Hemolytic anemia. Last evaluated: 2017-04-27. Review status: criteria provided, single submitter. Criteria: ICSL Variant Classification Criteria 13 December 2019. Collection method: clinical testing. Allele origin: germline.
Comment: This variant was observed as part of a predisposition screen in an ostensibly healthy population. A literature search was performed for the gene, cDNA change, and amino acid change (where applicable). Publications were found based on this search. However, the evidence from the literature, in combination with allele frequency data from public databases where available, was not sufficient to rule this variant in or out of causing disease. Therefore, this variant is classified as a variant of unknown significance.

Illumina Laboratory Services, Illumina
Classification: Likely benign for Autosomal dominant distal renal tubular acidosis. Last evaluated: 2017-04-27. Review status: criteria provided, single submitter. Criteria: ICSL Variant Classification Criteria 13 December 2019. Collection method: clinical testing. Allele origin: germline.
Comment: This variant was observed as part of a predisposition screen in an ostensibly healthy population. A literature search was performed for the gene, cDNA change, and amino acid change (where applicable). No publications were found based on this search. Allele frequency data from public databases allowed determination this variant is unlikely to cause disease. Therefore, this variant is classified as likely benign.

PreventionGenetics, part of Exact Sciences
Classification: Likely benign for SLC4A1-related condition. Last evaluated: 2020-09-30. Review status: no assertion criteria provided. Collection method: clinical testing. Allele origin: germline. Not counted in ClinVar's aggregate classification.
Comment: This variant is classified as likely benign based on ACMG/AMP sequence variant interpretation guidelines (Richards et al. 2015 PMID: 25741868, with internal and published modifications).

Reproductive Health Research and Development, BGI Genomics
Classification: Uncertain significance for Acanthocytosis. Last evaluated: 2020-01-06. Review status: no assertion criteria provided. Collection method: curation. Allele origin: germline. Not counted in ClinVar's aggregate classification.
Comment: NM_000342.3:c.2603C>T in the SLC4A1 gene has an allele frequency of 0.018 in Ashkenazi Jewish subpopulation in the gnomAD database. Pathogenic computational verdict because pathogenic predictions from DANN, DEOGEN2, EIGEN, FATHMM-MKL, M-CAP, MVP, MutationAssessor, MutationTaster, PrimateAI, REVEL and SIFT. Bruce et al. reported this variant associated with acanthocytosis and increased anion transport (PMID: 8343110). We interpret it as variant of uncertain significance (VUS). ACMG/AMP criteria applied: BS1, PP3.

OMIM
Classification: Uncertain significance for RECLASSIFIED - VARIANT OF UNKNOWN SIGNIFICANCE. Last evaluated: 1993-07-15. Review status: no assertion criteria provided. Collection method: literature only. Allele origin: germline. Not counted in ClinVar's aggregate classification.

Literature cited by the submitters: PubMed 8343110 (cited by 3 submitters); Hamosh, A. Personal Communication. 2025. Baltimore, Md. (cited by OMIM); PubMed 1696010 (cited by OMIM); PubMed 2527366 (cited by OMIM).

NM_000342.4(SLC4A1):c.2603C>T (p.Pro868Leu)

Gene: SLC4A1 (solute carrier family 4 member 1 (Diego blood group); minus strand). Cytogenetic location: 17q21.31.
Variant type: single nucleotide variant.
Coding change: c.2603C>T on transcript NM_000342.4 (MANE Select); coding-DNA position 2603, C replaced by T.
Protein change: p.Pro868Leu; replaces proline 868 with leucine.
Molecular consequence: missense variant.
Genome position (GRCh38, 1-based): chr17:44,251,211, G>A on the plus strand (C>T on the coding strand, the complement: SLC4A1 is on the minus strand). VCF-style: chr17-44251211-G-A. GRCh37 (hg19) VCF-style: chr17-42328579-G-A.
Other names: P878L; short protein forms P868L.
Identifiers: ClinVar variation 17783 (VCV000017783.27), dbSNP rs121912759, ClinGen allele CA127410.